The following is an entry in ClinVar:

NM_004006.3(DMD):c.875del (p.Pro292fs)

Gene: DMD (dystrophin; minus strand). Cytogenetic location: Xp21.1.
Variant type: Deletion.
Coding change: c.875del on transcript NM_004006.3 (MANE Select); coding-DNA position 875, one base deleted (C; older notation c.875delC).
Protein change: p.Pro292fs; shifts the reading frame from proline 292.
Molecular consequence: frameshift variant.
Genome position (GRCh38, 1-based): chrX:32,697,955, G deleted on the plus strand (C on the coding strand, the reverse complement: DMD is on the minus strand); the first of 4 consecutive G bases (chrX:32,697,955-32,697,958); deleting any one gives the same sequence. VCF-style (leftmost placement, unchanged base first): chrX-32697954-AG-A. GRCh37 (hg19) VCF-style: chrX-32716071-AG-A.
Other names: c.851del, p.Pro284fs (NM_000109.4); c.872delC, p.Pro292Leufs (NM_004006.2); c.863del, p.Pro288fs (NM_004009.3); c.506del, p.Pro169fs (NM_004010.3); short protein forms P169fs, P284fs, P288fs, P292fs.
Identifiers: ClinVar variation 3381933 (VCV003381933.2).
Genomic context (GRCh38, chrX:32,697,954, plus strand): 5'-AGGGTCAGAGGTGGTGACATAAGCAGCCTGTGTGTAGGCATAGCTCTTGAATCGAGGCTT[AG>A]GGGAAGAAGTTCTCTCATATCCCTGTGCTAGACTGACCGTGATCTGCAGAGAAGGGTTTG-3'

ClinVar aggregate classification (germline): Pathogenic (1 of 4 stars; one submission).

Conditions:
Duchenne muscular dystrophy (DMD). Also called: Duchenne Muscular Dystrophy (DMD); MUSCULAR DYSTROPHY, PSEUDOHYPERTROPHIC PROGRESSIVE, DUCHENNE TYPE. Identifiers: Orphanet 98896, MedGen C0013264, MONDO:0010679, OMIM 310200.
Becker muscular dystrophy (BMD). Also called: MUSCULAR DYSTROPHY, PSEUDOHYPERTROPHIC PROGRESSIVE, BECKER TYPE; Becker Muscular Dystrophy (BMD). Identifiers: Orphanet 98895, MedGen C0917713, MONDO:0010311, OMIM 300376.
Dilated cardiomyopathy 3B (CMD3B). Also called: CMD3B: DMD-Related Dilated Cardiomyopathy; CARDIOMYOPATHY, DILATED, X-LINKED; DMD-Associated Dilated Cardiomyopathy. Identifiers: Orphanet 154, MedGen C3668940, MONDO:0010542, OMIM 302045.

Submission:

Juno Genomics, Hangzhou Juno Genomics, Inc
Classification: Pathogenic for Becker muscular dystrophy; Dilated cardiomyopathy 3B; Duchenne muscular dystrophy. Review status: criteria provided, single submitter. Criteria: ACMG Guidelines, 2015. Collection method: clinical testing. Allele origin: germline. Affected: yes.
Comment: Absent from controls (or at extremely low frequency if recessive) in Genome Aggregation Database, Exome Sequencing Project, 1000 Genomes Project, or Exome Aggregation Consortium.;Null variant in a gene where loss of function (LOF) is a known mechanism of disease.